The following is an entry in ClinVar:

NM_000051.4(ATM):c.4236+1_4236+2del

Gene: ATM (ATM serine/threonine kinase; plus strand). Cytogenetic location: 11q22.3.
Variant type: Deletion.
Coding change: c.4236+1_4236+2del on transcript NM_000051.4 (MANE Select); the canonical splice donor site of the intron after coding-DNA position 4236, 2 bases deleted (GT; older notation c.4236+1_4236+2delGT).
Molecular consequence: splice donor variant.
Genome position (GRCh38, 1-based): chr11:108,289,104-108,289,105, GT deleted; deleting any 2 consecutive bases within chr11:108,289,103-108,289,105 gives the same sequence; the c. name uses the placement nearest the transcript's 3' end. VCF-style (leftmost placement, unchanged base first): chr11-108289102-CTG-C. GRCh37 (hg19) VCF-style: chr11-108159829-CTG-C.
Other names: c.4236+1_4236+2del (NM_001351834.2).
Identifiers: ClinVar variation 1471724 (VCV001471724.6), dbSNP rs2135753954, ClinGen allele CA2573146551.

ClinVar aggregate classification (germline): Likely pathogenic. Review status: criteria provided, multiple submitters, no conflicts (2 of 4 stars). 2 submissions from 2 submitters: Likely pathogenic (2). Last evaluated 2024-10-26.

Conditions:
Familial cancer of breast. Also called: Hereditary breast cancer; BREAST CANCER, FAMILIAL; hereditary breast carcinoma. Identifiers: Orphanet 227535, MedGen C0346153, MONDO:0016419, OMIM 114480. Disease mechanism: loss of function.
Ataxia-telangiectasia syndrome (AT). Also called: ATAXIA-TELANGIECTASIA, COMPLEMENTATION GROUP A; ATAXIA-TELANGIECTASIA, FRESNO VARIANT; LOUIS-BAR SYNDROME; Ataxia-telangiectasia; Cerebello-oculocutaneous telangiectasia; Immunodeficiency with ataxia telangiectasia. Identifiers: Orphanet 100, MedGen C0004135, MONDO:0008840, OMIM 208900.

Submissions (2):

Labcorp Genetics (formerly Invitae), Labcorp
Classification: Likely pathogenic for Ataxia-telangiectasia syndrome. Last evaluated: 2024-10-26. Review status: criteria provided, single submitter. Criteria: Invitae Variant Classification Sherloc (09022015). Collection method: clinical testing. Allele origin: germline.
Comment: This sequence change affects a splice site in intron 28 of the ATM gene. It is expected to disrupt RNA splicing. Variants that disrupt the donor or acceptor splice site typically lead to a loss of protein function (PMID: 16199547), and loss-of-function variants in ATM are known to be pathogenic (PMID: 23807571, 25614872). This variant is not present in population databases (gnomAD no frequency). This variant has not been reported in the literature in individuals affected with ATM-related conditions. ClinVar contains an entry for this variant (Variation ID: 1471724). Algorithms developed to predict the effect of sequence changes on RNA splicing suggest that this variant may disrupt the consensus splice site. In summary, the currently available evidence indicates that the variant is pathogenic, but additional data are needed to prove that conclusively. Therefore, this variant has been classified as Likely Pathogenic.

Myriad Genetics, Inc.
Classification: Likely pathogenic for Familial cancer of breast. Last evaluated: 2023-02-09. Review status: criteria provided, single submitter. Criteria: Myriad Autosomal Dominant, Autosomal Recessive and X-Linked Classification Criteria (2023). Collection method: clinical testing. Allele origin: unknown.
Comment: This variant is considered likely pathogenic. This variant occurs within a consensus splice junction and is predicted to result in abnormal mRNA splicing of either an out-of-frame exon or an in-frame exon necessary for protein stability and/or normal function.

Literature cited by the submitters: PubMed 16199547 (cited by Labcorp Genetics (formerly Invitae), Labcorp); PubMed 23807571 (cited by Labcorp Genetics (formerly Invitae), Labcorp); PubMed 25614872 (cited by Labcorp Genetics (formerly Invitae), Labcorp).